The following is an entry in ClinVar:

ClinVar aggregate classification (germline): Uncertain significance (1 of 4 stars; one submission).

Conditions:
Inborn genetic diseases. Identifiers: MedGen C0950123, MeSH D030342.

gnomAD v4.1: 1 of 1,613,644 alleles (0.000062%); highest among the groups gnomAD compares: South Asian, 0.0011%; no homozygotes.

Submission:

Ambry Genetics
Classification: Uncertain significance for Inborn genetic diseases. Last evaluated: 2025-02-03. Review status: criteria provided, single submitter. Criteria: Ambry Variant Classification Scheme 2023. Collection method: clinical testing. Allele origin: germline.
Comment: The p.A472S variant (also known as c.1414G>T) is located in coding exon 11 of the BMPR2 gene. The alanine at codon 472 is replaced by serine, an amino acid with similar properties. This change occurs in the first base pair of coding exon 11. This amino acid position is conserved. In addition, this alteration is predicted to be deleterious by in silico analysis. Based on the available evidence, the clinical significance of this variant remains unclear.

NM_001204.7(BMPR2):c.1414G>T (p.Ala472Ser)

Gene: BMPR2 (bone morphogenetic protein receptor type 2; plus strand). Cytogenetic location: 2q33.2.
Variant type: single nucleotide variant.
Coding change: c.1414G>T on transcript NM_001204.7 (MANE Select); coding-DNA position 1414, G replaced by T.
Protein change: p.Ala472Ser; replaces alanine 472 with serine.
Molecular consequence: missense variant.
Genome position (GRCh38, 1-based): chr2:202,552,716, G>T. VCF-style: chr2-202552716-G-T. GRCh37 (hg19) VCF-style: chr2-203417439-G-T.
Other names: short protein forms A472S.
Identifiers: ClinVar variation 3824873 (VCV003824873.1).